The following is an entry in ClinVar:

NM_000890.5(KCNJ5):c.316T>C (p.Phe106Leu)

Gene: KCNJ5 (potassium inwardly rectifying channel subfamily J member 5; plus strand). Cytogenetic location: 11q24.3.
Variant type: single nucleotide variant.
Coding change: c.316T>C on transcript NM_000890.5 (MANE Select); coding-DNA position 316, T replaced by C.
Protein change: p.Phe106Leu; replaces phenylalanine 106 with leucine.
Molecular consequence: missense variant.
Genome position (GRCh38, 1-based): chr11:128,911,589, T>C. VCF-style: chr11-128911589-T-C. GRCh37 (hg19) VCF-style: chr11-128781484-T-C.
Other names: c.316T>C, p.Phe106Leu (NM_001354169.2); short protein forms F106L.
Identifiers: ClinVar variation 941414 (VCV000941414.11), dbSNP rs1944499851, ClinGen allele CA383247129.

ClinVar aggregate classification (germline): Uncertain significance. Review status: criteria provided, multiple submitters, no conflicts (2 of 4 stars). 3 submissions from 3 submitters: Uncertain significance (3). Last evaluated 2025-07-10.

Conditions:
Cardiovascular phenotype. Identifiers: MedGen CN230736.
Long QT syndrome (LQTS). Identifiers: MedGen C0023976, MeSH D008133, MONDO:0002442. Disease mechanism: loss of function. Inheritance: Various modes of inheritance.

Allele frequency attached by ClinVar (database versions not stated): TOPMed below 0.00001.

Submissions (3):

Ambry Genetics
Classification: Uncertain significance for Cardiovascular phenotype. Last evaluated: 2025-07-10. Review status: criteria provided, single submitter. Criteria: Ambry Variant Classification Scheme 2023. Collection method: clinical testing. Allele origin: germline.
Comment: The p.F106L variant (also known as c.316T>C), located in coding exon 1 of the KCNJ5 gene, results from a T to C substitution at nucleotide position 316. The phenylalanine at codon 106 is replaced by leucine, an amino acid with highly similar properties. This amino acid position is well conserved in available vertebrate species. In addition, the in silico prediction for this alteration is inconclusive. Based on the available evidence, the clinical significance of this variant remains unclear.

GeneDx
Classification: Uncertain significance. Last evaluated: 2024-03-28. Review status: criteria provided, single submitter. Criteria: GeneDx Variant Classification Process June 2021. Collection method: clinical testing. Allele origin: germline. Affected: yes.
Comment: Not observed at significant frequency in large population cohorts (gnomAD); In silico analysis supports that this missense variant does not alter protein structure/function; Has not been previously published as pathogenic or benign to our knowledge

Labcorp Genetics (formerly Invitae), Labcorp
Classification: Uncertain significance for Long QT syndrome. Last evaluated: 2019-06-09. Review status: criteria provided, single submitter. Criteria: Invitae Variant Classification Sherloc (09022015). Collection method: clinical testing. Allele origin: germline.
Comment: Algorithms developed to predict the effect of missense changes on protein structure and function (SIFT, PolyPhen-2, Align-GVGD) all suggest that this variant is likely to be tolerated, but these predictions have not been confirmed by published functional studies and their clinical significance is uncertain. In summary, the available evidence is currently insufficient to determine the role of this variant in disease. Therefore, it has been classified as a Variant of Uncertain Significance. This variant has not been reported in the literature in individuals with KCNJ5-related conditions. This sequence change replaces phenylalanine with leucine at codon 106 of the KCNJ5 protein (p.Phe106Leu). The phenylalanine residue is highly conserved and there is a small physicochemical difference between phenylalanine and leucine. This variant is not present in population databases (ExAC no frequency).